The following is an entry in ClinVar:

NM_002536.4(TBC1D25):c.1581G>A (p.Leu527=)

Gene: TBC1D25 (TBC1 domain family member 25; plus strand). Cytogenetic location: Xp11.23.
Variant type: single nucleotide variant.
Coding change: c.1581G>A on transcript NM_002536.4 (MANE Select); coding-DNA position 1581, G replaced by A.
Protein change: p.Leu527=; no amino-acid change (leucine 527 retained).
Molecular consequence: synonymous variant. On other transcripts: non-coding transcript variant (9).
Genome position (GRCh38, 1-based): chrX:48,560,489, G>A. VCF-style: chrX-48560489-G-A. GRCh37 (hg19) VCF-style: chrX-48418877-G-A.
Other names: c.1629G>A, p.Leu543= (NM_001348262.2); c.1593G>A, p.Leu531= (NM_001348263.2); c.1407G>A, p.Leu469= (NM_001348264.2, NM_001348265.2).
Identifiers: ClinVar variation 2660459 (VCV002660459.24), dbSNP rs782151194, ClinGen allele CA10403276.

ClinVar aggregate classification (germline): Likely benign (1 of 4 stars; one submission).

Allele frequency attached by ClinVar (database versions not stated): gnomAD 0.00002; gnomAD exomes 0.00002; ExAC 0.00005; 1000 Genomes Project 0.00053; 1000 Genomes Project 30x 0.00062.
gnomAD v4.1: 20 of 1,208,179 alleles (0.0017%); highest among the groups gnomAD compares: South Asian, 0.034%; no homozygotes.

Submission:

CeGaT Center for Human Genetics Tuebingen
Classification: Likely benign. Last evaluated: 2023-02-01. Review status: criteria provided, single submitter. Criteria: CeGaT Center For Human Genetics Tuebingen Variant Classification Criteria Version 2. Collection method: clinical testing. Allele origin: germline. Affected: yes. Observed: 1 variant allele.
Comment: TBC1D25: BP4, BP7